The following is an entry in ClinVar:

ClinVar aggregate classification (germline): Likely benign. Review status: criteria provided, multiple submitters, no conflicts (2 of 4 stars). 4 submissions from 4 submitters: Likely benign (3). 1 of the submissions does not count toward it. Last evaluated 2025-12-20.

Conditions:
PCNT-related disorder. Also called: PCNT-related condition.

gnomAD v4.1: 48 of 1,613,040 alleles (0.003%); highest among the groups gnomAD compares: African/African-American, 0.019%; no homozygotes.

Submissions (4):

Labcorp Genetics (formerly Invitae), Labcorp
Classification: Likely benign. Last evaluated: 2025-12-20. Review status: criteria provided, single submitter. Criteria: Invitae Variant Classification Sherloc (09022015). Collection method: clinical testing. Allele origin: germline.

Blueprint Genetics
Classification: Likely benign. Last evaluated: 2021-05-05. Review status: criteria provided, single submitter. Criteria: ACMG Guidelines, 2015. Collection method: clinical testing. Allele origin: germline.

Breakthrough Genomics
Classification: Likely benign. Review status: criteria provided, single submitter. Criteria: ACMG Guidelines, 2015. Collection method: not provided. Allele origin: germline. Inheritance: Autosomal recessive inheritance. Affected: yes.

PreventionGenetics, part of Exact Sciences
Classification: Likely benign for PCNT-related condition. Last evaluated: 2023-10-03. Review status: no assertion criteria provided. Collection method: clinical testing. Allele origin: germline. Not counted in ClinVar's aggregate classification.
Comment: This variant is classified as likely benign based on ACMG/AMP sequence variant interpretation guidelines (Richards et al. 2015 PMID: 25741868, with internal and published modifications).

NM_006031.6(PCNT):c.5547C>A (p.Val1849=)

Gene: PCNT (pericentrin; plus strand). Cytogenetic location: 21q22.3.
Variant type: single nucleotide variant.
Coding change: c.5547C>A on transcript NM_006031.6 (MANE Select); coding-DNA position 5547, C replaced by A.
Protein change: p.Val1849=; no amino-acid change (valine 1849 retained).
Molecular consequence: synonymous variant.
Genome position (GRCh38, 1-based): chr21:46,411,620, C>A. VCF-style: chr21-46411620-C-A. GRCh37 (hg19) VCF-style: chr21-47831534-C-A.
Other names: c.5193C>A, p.Val1731= (NM_001315529.2); c.5547C>A (NM_006031.5).
Identifiers: ClinVar variation 1614176 (VCV001614176.11), dbSNP rs370410169, ClinGen allele CA321998051.